The following is an entry in ClinVar:

ClinVar aggregate classification (germline): Uncertain significance. Review status: criteria provided, multiple submitters, no conflicts (2 of 4 stars). 3 submissions from 3 submitters: Uncertain significance (3). Last evaluated 2024-05-07.

Conditions:
Emery-Dreifuss muscular dystrophy 5, autosomal dominant (EDMD5). Also called: EMERY-DREIFUSS MUSCULAR DYSTROPHY 5. Identifiers: Orphanet 261, MedGen C2751805, MONDO:0013072, OMIM 612999.

Allele frequency attached by ClinVar (database versions not stated): TOPMed below 0.00001; gnomAD 0.00001; gnomAD exomes 0.00001; ExAC 0.00002.
gnomAD v4.1: 21 of 1,613,942 alleles (0.0013%); highest among the groups gnomAD compares: South Asian, 0.02%; no homozygotes.

Submissions (3):

Labcorp Genetics (formerly Invitae), Labcorp
Classification: Uncertain significance for Emery-Dreifuss muscular dystrophy 5, autosomal dominant. Last evaluated: 2024-05-07. Review status: criteria provided, single submitter. Criteria: Invitae Variant Classification Sherloc (09022015). Collection method: clinical testing. Allele origin: germline.
Comment: This sequence change replaces aspartic acid, which is acidic and polar, with tyrosine, which is neutral and polar, at codon 355 of the SYNE2 protein (p.Asp355Tyr). This variant is present in population databases (rs765413747, gnomAD 0.01%). This variant has not been reported in the literature in individuals affected with SYNE2-related conditions. ClinVar contains an entry for this variant (Variation ID: 1027049). An algorithm developed to predict the effect of missense changes on protein structure and function (PolyPhen-2) suggests that this variant is likely to be tolerated. In summary, the available evidence is currently insufficient to determine the role of this variant in disease. Therefore, it has been classified as a Variant of Uncertain Significance.

Ambry Genetics
Classification: Uncertain significance. Last evaluated: 2023-07-19. Review status: criteria provided, single submitter. Criteria: Ambry Variant Classification Scheme 2023. Collection method: clinical testing. Allele origin: germline.

Revvity Omics, Revvity
Classification: Uncertain significance for Emery-Dreifuss muscular dystrophy 5, autosomal dominant. Last evaluated: 2022-10-26. Review status: criteria provided, single submitter. Criteria: ACMG Guidelines, 2015. Collection method: clinical testing. Allele origin: germline.

NM_182914.3(SYNE2):c.1063G>T (p.Asp355Tyr)

Gene: SYNE2 (spectrin repeat containing nuclear envelope protein 2; plus strand). Cytogenetic location: 14q23.2.
Variant type: single nucleotide variant.
Coding change: c.1063G>T on transcript NM_182914.3 (MANE Select); coding-DNA position 1063, G replaced by T.
Protein change: p.Asp355Tyr; replaces aspartic acid 355 with tyrosine.
Molecular consequence: missense variant.
Genome position (GRCh38, 1-based): chr14:63,967,781, G>T. VCF-style: chr14-63967781-G-T. GRCh37 (hg19) VCF-style: chr14-64434499-G-T.
Other names: c.1063G>T, p.Asp355Tyr (NM_015180.6); c.1063G>T (NM_182914.2); short protein forms D355Y.
Identifiers: ClinVar variation 1027049 (VCV001027049.13), dbSNP rs765413747, ClinGen allele CA7219315.